The following is an entry in ClinVar:

ClinVar aggregate classification (germline): Uncertain significance (1 of 4 stars; one submission).

Conditions:
LAMA3-related disorder. Also called: LAMA3-related disorders; LAMA3-related condition.

Submission:

PreventionGenetics, part of Exact Sciences
Classification: Uncertain significance for LAMA3-related condition. Last evaluated: 2024-11-01. Review status: criteria provided, single submitter. Criteria: ACMG Guidelines, 2015. Collection method: clinical testing. Allele origin: germline.
Comment: The LAMA3 c.4937T>C variant is predicted to result in the amino acid substitution p.Leu1646Pro. To our knowledge, this variant has not been reported in the literature. This variant is reported in 0.00088% of alleles in individuals of European (Non-Finnish) descent in gnomAD. At this time, the clinical significance of this variant is uncertain due to the absence of conclusive functional and genetic evidence.

NM_198129.4(LAMA3):c.9764T>C (p.Leu3255Pro)

Gene: LAMA3 (laminin subunit alpha 3; plus strand). Cytogenetic location: 18q11.2.
Variant type: single nucleotide variant.
Coding change: c.9764T>C on transcript NM_198129.4 (MANE Select); coding-DNA position 9764, T replaced by C.
Protein change: p.Leu3255Pro; replaces leucine 3255 with proline.
Molecular consequence: missense variant.
Genome position (GRCh38, 1-based): chr18:23,953,017, T>C. VCF-style: chr18-23953017-T-C. GRCh37 (hg19) VCF-style: chr18-21532981-T-C.
Other names: c.4937T>C, p.Leu1646Pro (NM_000227.6); c.9596T>C, p.Leu3199Pro (NM_001127717.4); c.4769T>C, p.Leu1590Pro (NM_001127718.4); short protein forms L1590P, L1646P, L3199P, L3255P.
Identifiers: ClinVar variation 4987954 (VCV004987954.1).
Genomic context (GRCh38, chr18:23,953,017, plus strand): 5'-CGATGATAGACCTAACCAGCCTCCTTTCCCCAGTCACCATAAAACAACACATCCTGCACC[T>C]GGAACTGGACACAGACAGTAGCTACACAGCTGGACAGATCCCCTTCCCACCTGCCAGCAC-3'
Protein context (NP_937762.2, residues 3245-3265): AVTIKQHILH[Leu3255Pro]ELDTDSSYTA